The following is an entry in ClinVar:

NM_014336.5(AIPL1):c.254C>A (p.Ala85Asp)

Gene: AIPL1 (AIP like 1 HSP90 co-chaperone; minus strand). Cytogenetic location: 17p13.2.
Variant type: single nucleotide variant.
Coding change: c.254C>A on transcript NM_014336.5 (MANE Select); coding-DNA position 254, C replaced by A.
Protein change: p.Ala85Asp; replaces alanine 85 with aspartic acid.
Molecular consequence: missense variant. On other transcripts: intron variant (1).
Genome position (GRCh38, 1-based): chr17:6,433,941, G>T on the plus strand (C>A on the coding strand, the complement: AIPL1 is on the minus strand). VCF-style: chr17-6433941-G-T. GRCh37 (hg19) VCF-style: chr17-6337261-G-T.
Other names: c.254C>A, p.Ala85Asp (NM_001033054.3, NM_001285401.3, NM_001285403.4); c.218C>A, p.Ala73Asp (NM_001285399.3); c.188C>A, p.Ala63Asp (NM_001285400.3); c.137C>A, p.Ala46Asp (NM_001285402.2); c.96+1068C>A (NM_001033055.3); short protein forms A73D, A63D, A85D, A46D.
Identifiers: ClinVar variation 1525112 (VCV001525112.8), dbSNP rs1912891330, ClinGen allele CA397397125.

ClinVar aggregate classification (germline): Likely pathogenic (1 of 4 stars; one submission).

Conditions:
Leber congenital amaurosis 4 (LCA4). Identifiers: MedGen C1858386, MONDO:0011458, OMIM 604393.

Submission:

Labcorp Genetics (formerly Invitae), Labcorp
Classification: Likely pathogenic for Leber congenital amaurosis 4. Last evaluated: 2025-09-08. Review status: criteria provided, single submitter. Criteria: Invitae Variant Classification Sherloc (09022015). Collection method: clinical testing. Allele origin: germline.
Comment: This sequence change replaces alanine, which is neutral and non-polar, with aspartic acid, which is acidic and polar, at codon 85 of the AIPL1 protein (p.Ala85Asp). This variant is not present in population databases (gnomAD no frequency). This missense change has been observed in individual(s) with clinical features of inherited retinal disease (internal data). In at least one individual the data is consistent with being in trans (on the opposite chromosome) from a pathogenic variant. ClinVar contains an entry for this variant (Variation ID: 1525112). Invitae Evidence Modeling of protein sequence and biophysical properties (such as structural, functional, and spatial information, amino acid conservation, physicochemical variation, residue mobility, and thermodynamic stability) indicates that this missense variant is expected to disrupt AIPL1 protein function with a positive predictive value of 95%. In summary, the currently available evidence indicates that the variant is pathogenic, but additional data are needed to prove that conclusively. Therefore, this variant has been classified as Likely Pathogenic.